The following is an entry in ClinVar:

ClinVar aggregate classification (germline): Pathogenic (1 of 4 stars; one submission).

Conditions:
Familial cancer of breast. Also called: hereditary breast carcinoma; BREAST CANCER, FAMILIAL; Hereditary breast cancer. Identifiers: Orphanet 227535, MedGen C0346153, MONDO:0016419, OMIM 114480. Disease mechanism: loss of function.

Submission:

Myriad Genetics, Inc.
Classification: Pathogenic for Familial cancer of breast. Last evaluated: 2024-02-02. Review status: criteria provided, single submitter. Criteria: Myriad Autosomal Dominant, Autosomal Recessive and X-Linked Classification Criteria (2023). Collection method: clinical testing. Allele origin: unknown.
Comment: This variant is considered pathogenic. This variant creates a frameshift predicted to result in premature protein truncation.

NM_000051.4(ATM):c.8387_8397del (p.Phe2796fs)

Genes: ATM (ATM serine/threonine kinase; plus strand), C11orf65 (chromosome 11 open reading frame 65; minus strand). Cytogenetic location: 11q22.3.
Variant type: Deletion.
Coding change: c.8387_8397del on transcript NM_000051.4 (MANE Select); coding-DNA positions 8387 to 8397, 11 bases deleted (TCAGTGCCTTT).
Protein change: p.Phe2796fs; shifts the reading frame from phenylalanine 2796.
Molecular consequence: frameshift variant. On other transcripts: intron variant (2).
Genome position (GRCh38, 1-based): chr11:108,343,340-108,343,350, TCAGTGCCTTT deleted; deleting any 11 consecutive bases within chr11:108,343,338-108,343,350 gives the same sequence; the c. name uses the placement nearest the transcript's 3' end. VCF-style (leftmost placement, unchanged base first): chr11-108343337-ATTTCAGTGCCT-A. GRCh37 (hg19) VCF-style: chr11-108214064-ATTTCAGTGCCT-A.
Other names: c.8387_8397del, p.Phe2796fs (NM_001351834.2); c.641-34277_641-34267del (NM_001330368.2); c.695-8056_695-8046del (NM_001351110.2); short protein forms F2796fs.
Identifiers: ClinVar variation 3148540 (VCV003148540.1), dbSNP rs2547418876, ClinGen allele CA2695215495.